The following is an entry in ClinVar:

ClinVar aggregate classification (germline): Uncertain significance (1 of 4 stars; one submission).

Conditions:
Inborn genetic diseases. Identifiers: MedGen C0950123, MeSH D030342.

Submission:

Ambry Genetics
Classification: Uncertain significance for Inborn genetic diseases. Last evaluated: 2026-06-03. Review status: criteria provided, single submitter. Criteria: Ambry Variant Classification Scheme 2023. Collection method: clinical testing. Allele origin: germline.
Comment: The p.H167D variant (also known as c.499C>G), located in coding exon 3 of the ERCC6L2 gene, results from a C to G substitution at nucleotide position 499. The histidine at codon 167 is replaced by aspartic acid, an amino acid with similar properties. This amino acid position is conserved. In addition, the in silico prediction for this alteration is inconclusive. Based on the available evidence, the clinical significance of this variant remains unclear.

NM_020207.7(ERCC6L2):c.499C>G (p.His167Asp)

Gene: ERCC6L2 (ERCC excision repair 6 like 2; plus strand). Cytogenetic location: 9q22.32.
Variant type: single nucleotide variant.
Coding change: c.499C>G on transcript NM_020207.7 (MANE Select); coding-DNA position 499, C replaced by G.
Protein change: p.His167Asp; replaces histidine 167 with aspartic acid.
Molecular consequence: missense variant. On other transcripts: non-coding transcript variant (1).
Genome position (GRCh38, 1-based): chr9:95,897,876, C>G. VCF-style: chr9-95897876-C-G. GRCh37 (hg19) VCF-style: chr9-98660158-C-G.
Other names: c.499C>G, p.His167Asp (NM_001010895.4, NM_001375291.1, NM_001375292.1 and 2 more transcripts); short protein forms H167D.
Identifiers: ClinVar variation 4870624 (VCV004870624.1).